The following is an entry in ClinVar:

NM_000188.3(HK1):c.2551_2563del (p.Leu851fs)

Gene: HK1 (hexokinase 1; plus strand). Cytogenetic location: 10q22.1.
Variant type: Deletion.
Coding change: c.2551_2563del on transcript NM_000188.3 (MANE Select); coding-DNA positions 2551 to 2563, 13 bases deleted (CTGGACCGTCTGA).
Protein change: p.Leu851fs; shifts the reading frame from leucine 851.
Molecular consequence: frameshift variant.
Genome position (GRCh38, 1-based): chr10:69,398,770-69,398,782, CTGGACCGTCTGA deleted; deleting any 13 consecutive bases within chr10:69,398,768-69,398,782 gives the same sequence; the c. name uses the placement nearest the transcript's 3' end. VCF-style (leftmost placement, unchanged base first): chr10-69398767-GGACTGGACCGTCT-G. GRCh37 (hg19) VCF-style: chr10-71158523-GGACTGGACCGTCT-G.
Other names: c.2551_2563del13 (NM_000188.3); c.2563_2575del, p.Leu855fs (NM_001322364.2, NM_001358263.1, NM_033497.3 and 1 more transcripts); c.2656_2668del, p.Leu886fs (NM_001322365.2); c.2467_2479del, p.Leu823fs (NM_001322366.1); c.2455_2467del, p.Leu819fs (NM_001322367.1); c.2548_2560del, p.Leu850fs (NM_033496.3); c.2515_2527del, p.Leu839fs (NM_033500.2); short protein forms L819fs, L823fs, L839fs, L850fs, L851fs, L855fs, L886fs.
Identifiers: ClinVar variation 1695712 (VCV001695712.3), dbSNP rs1840255421, ClinGen allele CA1917780663.
Genomic context (GRCh38, chr10:69,398,767, plus strand): 5'-GCCGCACAGCTGTGTGGCGCAGGCATGGCTGCGGTTGTGGATAAGATCCGCGAGAACAGA[GGACTGGACCGTCT>G]GAATGTGACTGTGGGAGTGGACGGGACACTCTACAAGCTTCATCCACAGTGAGTGGGCCT-3'

ClinVar aggregate classification (germline): Conflicting classifications of pathogenicity. Review status: criteria provided, conflicting classifications (1 of 4 stars). 2 submissions from 2 submitters: Pathogenic (1); Uncertain significance (1). Last evaluated 2025-09-24.

Conditions:
Hemolytic anemia due to hexokinase deficiency (CNSHA5). Also called: HEMOLYTIC ANEMIA, NONSPHEROCYTIC, DUE TO HEXOKINASE DEFICIENCY; ANEMIA, CONGENITAL, NONSPHEROCYTIC HEMOLYTIC, 5; Non-spherocytic hemolytic anemia due to hexokinase deficiency; Hexokinase deficiency hemolytic anemia. Identifiers: Orphanet 90031, MedGen C3150343, MONDO:0009340, OMIM 235700.

Submissions (2):

Women's Health and Genetics/Laboratory Corporation of America, LabCorp
Classification: Pathogenic for Hemolytic anemia due to hexokinase deficiency. Last evaluated: 2025-09-24. Review status: criteria provided, single submitter. Criteria: LabCorp Variant Classification Summary - May 2015. Collection method: clinical testing. Allele origin: germline.
Comment: Variant summary: HK1 c.2551_2563del13 (p.Leu851MetfsX2) results in a premature termination codon, predicted to cause a truncation of the encoded protein or absence of the protein due to nonsense mediated decay, which are commonly known mechanisms for disease. The variant was absent in 251354 control chromosomes. To our knowledge, no occurrence of c.2551_2563del13 in individuals affected with HK1-related conditions and no experimental evidence demonstrating its impact on protein function have been reported. ClinVar contains an entry for this variant (Variation ID: 1695712). Based on the evidence outlined above, the variant was classified as pathogenic for Hemolytic anemia due to hexokinase deficiency.

GeneDx
Classification: Uncertain significance. Last evaluated: 2022-01-07. Review status: criteria provided, single submitter. Criteria: GeneDx Variant Classification Process June 2021. Collection method: clinical testing. Allele origin: germline. Affected: yes.
Comment: Not observed at significant frequency in large population cohorts (gnomAD); Frameshift variant predicted to result in protein truncation in a gene for which loss-of-function is not a known mechanism of disease; Has not been previously published as pathogenic or benign to our knowledge